The following is an entry in ClinVar:

NM_138576.4(BCL11B):c.97G>T (p.Asp33Tyr)

Gene: BCL11B (BCL11 transcription factor B; minus strand). Cytogenetic location: 14q32.2.
Variant type: single nucleotide variant.
Coding change: c.97G>T on transcript NM_138576.4 (MANE Select); coding-DNA position 97, G replaced by T.
Protein change: p.Asp33Tyr; replaces aspartic acid 33 with tyrosine.
Molecular consequence: missense variant.
Genome position (GRCh38, 1-based): chr14:99,257,801, C>A on the plus strand (G>T on the coding strand, the complement: BCL11B is on the minus strand). VCF-style: chr14-99257801-C-A. GRCh37 (hg19) VCF-style: chr14-99724138-C-A.
Other names: c.97G>T (NM_138576.2); c.94G>T, p.Asp32Tyr (NM_001282237.2, NM_001282238.2); c.97G>T, p.Asp33Tyr (NM_022898.3); short protein forms D33Y, D32Y.
Identifiers: ClinVar variation 3633084 (VCV003633084.3).

ClinVar aggregate classification (germline): Uncertain significance. Review status: criteria provided, multiple submitters, no conflicts (2 of 4 stars). 2 submissions from 2 submitters: Uncertain significance (2). Last evaluated 2025-08-29.

Conditions:
Inborn genetic diseases. Identifiers: MedGen C0950123, MeSH D030342.

Submissions (2):

Ambry Genetics
Classification: Uncertain significance for Inborn genetic diseases. Last evaluated: 2025-08-29. Review status: criteria provided, single submitter. Criteria: Ambry Variant Classification Scheme 2023. Collection method: clinical testing. Allele origin: germline.

Labcorp Genetics (formerly Invitae), Labcorp
Classification: Uncertain significance. Last evaluated: 2024-10-21. Review status: criteria provided, single submitter. Criteria: Invitae Variant Classification Sherloc (09022015). Collection method: clinical testing. Allele origin: germline.
Comment: This sequence change replaces aspartic acid, which is acidic and polar, with tyrosine, which is neutral and polar, at codon 33 of the BCL11B protein (p.Asp33Tyr). This variant is not present in population databases (gnomAD no frequency). This variant has not been reported in the literature in individuals affected with BCL11B-related conditions. Invitae Evidence Modeling of protein sequence and biophysical properties (such as structural, functional, and spatial information, amino acid conservation, physicochemical variation, residue mobility, and thermodynamic stability) indicates that this missense variant is not expected to disrupt BCL11B protein function with a negative predictive value of 95%. In summary, the available evidence is currently insufficient to determine the role of this variant in disease. Therefore, it has been classified as a Variant of Uncertain Significance.